The following is an entry in ClinVar:

NM_152424.4(AMER1):c.983G>A (p.Cys328Tyr)

Gene: AMER1 (APC membrane recruitment protein 1; minus strand). Cytogenetic location: Xq11.2.
Variant type: single nucleotide variant.
Coding change: c.983G>A on transcript NM_152424.4 (MANE Select); coding-DNA position 983, G replaced by A.
Protein change: p.Cys328Tyr; replaces cysteine 328 with tyrosine.
Molecular consequence: missense variant.
Genome position (GRCh38, 1-based): chrX:64,192,304, C>T on the plus strand (G>A on the coding strand, the complement: AMER1 is on the minus strand). VCF-style: chrX-64192304-C-T. GRCh37 (hg19) VCF-style: chrX-63412184-C-T.
Other names: short protein forms C328Y.
Identifiers: ClinVar variation 4875054 (VCV004875054.2).

ClinVar aggregate classification (germline): Uncertain significance (1 of 4 stars; one submission).

Submission:

CeGaT Center for Human Genetics Tuebingen
Classification: Uncertain significance. Last evaluated: 2026-05-01. Review status: criteria provided, single submitter. Criteria: CeGaT Center For Human Genetics Tuebingen Variant Classification Criteria Version 2. Collection method: clinical testing. Allele origin: germline. Affected: yes. Observed: 1 variant allele.
Comment: AMER1: PM2